The following is an entry in ClinVar:

NM_001110219.3(GJB6):c.257C>A (p.Thr86Asn)

Gene: GJB6 (gap junction protein beta 6; minus strand). Cytogenetic location: 13q12.11.
Variant type: single nucleotide variant.
Coding change: c.257C>A on transcript NM_001110219.3 (MANE Select); coding-DNA position 257, C replaced by A.
Protein change: p.Thr86Asn; replaces threonine 86 with asparagine.
Molecular consequence: missense variant.
Genome position (GRCh38, 1-based): chr13:20,223,224, G>T on the plus strand (C>A on the coding strand, the complement: GJB6 is on the minus strand). VCF-style: chr13-20223224-G-T. GRCh37 (hg19) VCF-style: chr13-20797363-G-T.
Other names: c.257C>A, p.Thr86Asn (NM_006783.5, NM_001110220.3, NM_001110221.3 and 3 more transcripts); c.257C>A (NM_006783.4); short protein forms T86N.
Identifiers: ClinVar variation 3067474 (VCV003067474.21), dbSNP rs1593363461, ClinGen allele CA387468500.
Genomic context (GRCh38, chr13:20,223,224, plus strand): 5'-AACTTGCGAGTGGTTTCGTGCCTGTAGTAGGCCACATGCATGGCCACCAGCAGCGCTGGG[G>T]TGGAGACGAAGATCAGCTGGAGGGCCCACAGCCGGATGTGGGACACCGGGAAAAAGTGGT-3'
Protein context (NP_001103689.1, residues 76-96): LWALQLIFVS[Thr86Asn]PALLVAMHVA

ClinVar aggregate classification (germline): Uncertain significance. Review status: criteria provided, multiple submitters, no conflicts (2 of 4 stars). 2 submissions from 2 submitters: Uncertain significance (2). Last evaluated 2024-11-13.

Allele frequency attached by ClinVar (database versions not stated): gnomAD exomes below 0.00001.
gnomAD v4.1: 2 of 1,610,448 alleles (0.00012%); highest among the groups gnomAD compares: Non-Finnish European, 0.00017%; no homozygotes.

Submissions (2):

GeneDx
Classification: Uncertain significance. Last evaluated: 2024-11-13. Review status: criteria provided, single submitter. Criteria: GeneDx Variant Classification Process June 2021. Collection method: clinical testing. Allele origin: germline. Affected: yes.
Comment: Not observed in large population cohorts (gnomAD); In silico analysis supports that this missense variant has a deleterious effect on protein structure/function; Has not been previously published as pathogenic or benign to our knowledge

CeGaT Center for Human Genetics Tuebingen
Classification: Uncertain significance. Last evaluated: 2024-03-01. Review status: criteria provided, single submitter. Criteria: CeGaT Center For Human Genetics Tuebingen Variant Classification Criteria Version 2. Collection method: clinical testing. Allele origin: germline. Affected: yes. Observed: 1 variant allele.
Comment: GJB6: PM2, PP3